The following is an entry in ClinVar:

ClinVar aggregate classification (germline): Benign/Likely benign. Review status: criteria provided, multiple submitters, no conflicts (2 of 4 stars). 2 submissions from 2 submitters: Benign (1); Likely benign (1). Last evaluated 2025-12-01.

Conditions:
RASopathy. Also called: Noonan spectrum disorder; rasopathies. Identifiers: Orphanet 536391, MedGen C5555857, MONDO:0021060.

Submissions (2):

Women's Health and Genetics/Laboratory Corporation of America, LabCorp
Classification: Likely benign. Last evaluated: 2025-12-01. Review status: criteria provided, single submitter. Criteria: LabCorp Variant Classification Summary - May 2015. Collection method: clinical testing. Allele origin: germline.
Comment: Variant summary: NRAS c.451-19dupT alters a nucleotide located at a position not widely known to affect splicing. Consensus agreement among computation tools predict no significant impact on normal splicing. However, these predictions have yet to be confirmed by functional studies. The frequency data for this variant in gnomAD is considered unreliable, as metrics indicate poor data quality at this position. To our knowledge, no occurrence of c.451-19dupT in individuals affected with NRAS-related conditions and no experimental evidence demonstrating its impact on protein function have been reported. ClinVar contains an entry for this variant (Variation ID: 2199811). Based on the evidence outlined above, the variant was classified as likely benign.

Labcorp Genetics (formerly Invitae), Labcorp
Classification: Benign for RASopathy. Last evaluated: 2024-08-08. Review status: criteria provided, single submitter. Criteria: Invitae Variant Classification Sherloc (09022015). Collection method: clinical testing. Allele origin: germline.

NM_002524.5(NRAS):c.451-19dup

Gene: NRAS (NRAS proto-oncogene, GTPase; minus strand). Cytogenetic location: 1p13.2.
Variant type: Duplication.
Coding change: c.451-19dup on transcript NM_002524.5 (MANE Select); 19 bases into the intron before coding-DNA position 451, one base duplicated (T; older notation c.451-19dupT).
Molecular consequence: intron variant.
Genome position (GRCh38, 1-based): chr1:114,708,673, A duplicated on the plus strand (T on the coding strand, the reverse complement: NRAS is on the minus strand); the first of 8 consecutive A bases (chr1:114,708,673-114,708,680); duplicating any one gives the same sequence. VCF-style (leftmost placement, unchanged base first): chr1-114708672-G-GA. GRCh37 (hg19) VCF-style: chr1-115251293-G-GA.
Other names: c.451-19dupT (NM_002524.5).
Identifiers: ClinVar variation 2199811 (VCV002199811.5), dbSNP rs754048062, ClinGen allele CA1020695.